The following is an entry in ClinVar:

NM_177924.5(ASAH1):c.474G>T (p.Gly158=)

Gene: ASAH1 (N-acylsphingosine amidohydrolase 1; minus strand). Cytogenetic location: 8p22.
Variant type: single nucleotide variant.
Coding change: c.474G>T on transcript NM_177924.5 (MANE Select); coding-DNA position 474, G replaced by T.
Protein change: p.Gly158=; no amino-acid change (glycine 158 retained).
Molecular consequence: synonymous variant.
Genome position (GRCh38, 1-based): chr8:18,063,214, C>A on the plus strand (G>T on the coding strand, the complement: ASAH1 is on the minus strand). VCF-style: chr8-18063214-C-A. GRCh37 (hg19) VCF-style: chr8-17920723-C-A.
Other names: c.456G>T, p.Gly152= (NM_001127505.3); c.279G>T, p.Gly93= (NM_001363743.2); c.522G>T, p.Gly174= (NM_004315.6).
Identifiers: ClinVar variation 2132541 (VCV002132541.5), dbSNP rs1356384937, ClinGen allele CA459663423.

ClinVar aggregate classification (germline): Uncertain significance (1 of 4 stars; one submission).

Submissions (2):

Labcorp Genetics (formerly Invitae), Labcorp
Classification: Uncertain significance. Last evaluated: 2024-01-02. Review status: criteria provided, single submitter. Criteria: Invitae Variant Classification Sherloc (09022015). Collection method: clinical testing. Allele origin: germline.
Comment: This sequence change affects codon 158 of the ASAH1 mRNA. It is a 'silent' change, meaning that it does not change the encoded amino acid sequence of the ASAH1 protein. This variant is not present in population databases (gnomAD no frequency). This variant has not been reported in the literature in individuals affected with ASAH1-related conditions. ClinVar contains an entry for this variant (Variation ID: 2132541). Algorithms developed to predict the effect of sequence changes on RNA splicing suggest that this variant may disrupt the consensus splice site. In summary, the available evidence is currently insufficient to determine the role of this variant in disease. Therefore, it has been classified as a Variant of Uncertain Significance.

Dr. Peter K. Rogan Lab, Western University
No classification provided (evidence only). Condition: Familial cancer of breast. Review status: no classification provided. Collection method: in vitro. Allele origin: not applicable. Functional consequence: retained intron. Not counted in ClinVar's aggregate classification.